The following is an entry in ClinVar:

ClinVar aggregate classification (germline): Likely benign (1 of 4 stars; one submission).

Allele frequency attached by ClinVar (database versions not stated): 1000 Genomes Project 0.00180; 1000 Genomes Project 30x 0.00187; TOPMed 0.00630; gnomAD 0.00770.
gnomAD v4.1: 1,184 of 152,214 alleles (0.78%); highest among the groups gnomAD compares: Non-Finnish European, 1.2%; 6 homozygotes.

Submission:

GeneDx
Classification: Likely benign. Last evaluated: 2021-05-26. Review status: criteria provided, single submitter. Criteria: GeneDx Variant Classification Process June 2021. Collection method: clinical testing. Allele origin: germline. Affected: yes.
Comment: See Variant Classification Assertion Criteria.

NM_020806.5(GPHN):c.1413+211G>T

Gene: GPHN (gephyrin; plus strand). Cytogenetic location: 14q23.3.
Variant type: single nucleotide variant.
Coding change: c.1413+211G>T on transcript NM_020806.5 (MANE Select); 211 bases into the intron after coding-DNA position 1413, G replaced by T.
Molecular consequence: intron variant.
Genome position (GRCh38, 1-based): chr14:67,110,470, G>T. VCF-style: chr14-67110470-G-T. GRCh37 (hg19) VCF-style: chr14-67577187-G-T.
Other names: c.1473+211G>T (NM_001377514.1); c.1353+211G>T (NM_001377519.1); c.1443+211G>T (NM_001377515.1); c.1434+211G>T (NM_001377516.1); c.1371+211G>T (NM_001377518.1); c.1386+211G>T (NM_001377517.1); c.1314+211G>T (NM_001024218.2).
Identifiers: ClinVar variation 1706745 (VCV001706745.2), dbSNP rs117677174, ClinGen allele CA263307568.